The following is an entry in ClinVar:

NM_002878.4(RAD51D):c.864C>T (p.Gly288=)

Genes: RAD51L3-RFFL (RAD51L3-RFFL readthrough; minus strand), RAD51D (RAD51 paralog D; minus strand). Cytogenetic location: 17q12.
Variant type: single nucleotide variant.
Coding change: c.864C>T on transcript NM_002878.4 (MANE Select); coding-DNA position 864, C replaced by T.
Protein change: p.Gly288=; no amino-acid change (glycine 288 retained).
Molecular consequence: synonymous variant. On other transcripts: non-coding transcript variant (3).
Genome position (GRCh38, 1-based): chr17:35,101,240, G>A on the plus strand (C>T on the coding strand, the complement: RAD51D is on the minus strand). VCF-style: chr17-35101240-G-A. GRCh37 (hg19) VCF-style: chr17-33428259-G-A.
Other names: p.G288G:GGC>GGT; p.Gly288=; c.924C>T, p.Gly308= (NM_001142571.2); c.528C>T, p.Gly176= (NM_133629.3).
Identifiers: ClinVar variation 182853 (VCV000182853.33), dbSNP rs138557828, ClinGen allele CA299919.

ClinVar aggregate classification (germline): Conflicting classifications of pathogenicity. Review status: criteria provided, conflicting classifications (1 of 4 stars). 14 submissions from 14 submitters: Uncertain significance (1); Benign (3); Likely benign (9). 1 of the submissions does not count toward it. Last evaluated 2026-02-03.

Conditions:
RAD51D-related disorder. Also called: RAD51D-related condition.
Hereditary cancer-predisposing syndrome. Also called: Tumor predisposition; Hereditary Cancer Syndrome; Hereditary neoplastic syndrome; Neoplastic Syndromes, Hereditary. Identifiers: Orphanet 140162, MedGen C0027672, MeSH D009386, MONDO:0015356.
Breast-ovarian cancer, familial, susceptibility to, 4. Identifiers: Orphanet 145, MedGen C3280345, MONDO:0013669, OMIM 614291.
Hereditary breast ovarian cancer syndrome. Also called: Breast and ovarian cancer; Hereditary breast and ovarian cancer; Hereditary breast and/or ovarian cancer syndrome; BRCA1- and BRCA2-Associated Hereditary Breast and Ovarian Cancer; Hereditary breast and ovarian cancer syndrome (HBOC); Hereditary breast and ovarian cancer syndrome. Identifiers: Orphanet 145, MedGen C0677776, MeSH D061325, MONDO:0003582. Disease mechanism: loss of function.

Allele frequency attached by ClinVar (database versions not stated): ExAC 0.00005; gnomAD exomes 0.00006 and 0.00017; TOPMed 0.00006; gnomAD 0.00008 and 0.00009; ESP Exome Variant Server 0.00015.

Submissions (14):

Labcorp Genetics (formerly Invitae), Labcorp
Classification: Likely benign for Breast-ovarian cancer, familial, susceptibility to, 4. Last evaluated: 2026-02-03. Review status: criteria provided, single submitter. Criteria: Invitae Variant Classification Sherloc (09022015). Collection method: clinical testing. Allele origin: germline.

Quest Diagnostics Nichols Institute San Juan Capistrano
Classification: Benign. Last evaluated: 2025-11-07. Review status: criteria provided, single submitter. Criteria: Quest Diagnostics criteria. Collection method: clinical testing. Allele origin: unknown.

Mayo Clinic Laboratories, Mayo Clinic
Classification: Likely benign. Last evaluated: 2025-10-19. Review status: criteria provided, single submitter. Criteria: ACMG Guidelines, 2015. Collection method: clinical testing. Allele origin: germline. Observed: 1 variant allele.
Comment: BP4, BP7

Institute for Biomarker Research, Medical Diagnostic Laboratories, L.L.C.
Classification: Likely benign for Hereditary cancer-predisposing syndrome. Last evaluated: 2025-09-10. Review status: criteria provided, single submitter. Criteria: ACMG Guidelines, 2015. Collection method: clinical testing. Allele origin: germline.
Comment: The synonymous variant NM_002878.4(RAD51D):c.864C>T (p.Gly288=) has not been reported previously as a pathogenic variant , to our knowledge.The p.Gly288= variant is not predicted to disrupt an existing splice site. The p.Gly288= variant results in a substitution of a base that is not predicted conserved by GERP++ and PhyloP. For these reasons, this variant has been classified as Likely Benign.

ARUP Laboratories, Molecular Genetics and Genomics, ARUP Laboratories
Classification: Likely benign for Breast-ovarian cancer, familial, susceptibility to, 4. Last evaluated: 2025-05-15. Review status: criteria provided, single submitter. Criteria: ARUP Molecular Germline Variant Investigation Process 2024. Collection method: clinical testing. Allele origin: germline.

Center for Genomic Medicine, Rigshospitalet, Copenhagen University Hospital
Classification: Likely benign. Last evaluated: 2025-03-04. Review status: criteria provided, single submitter. Criteria: ACMG Guidelines, 2015. Collection method: clinical testing. Allele origin: germline.

Myriad Genetics, Inc.
Classification: Benign for Breast-ovarian cancer, familial, susceptibility to, 4. Last evaluated: 2025-02-25. Review status: criteria provided, single submitter. Criteria: Myriad Autosomal Dominant, Autosomal Recessive and X-Linked Classification Criteria (2023). Collection method: clinical testing. Allele origin: unknown.
Comment: This variant is considered benign. This variant is a silent/synonymous amino acid change and it is not expected to impact splicing.

Department of Pathology and Laboratory Medicine, Sinai Health System
Classification: Uncertain significance for Hereditary breast ovarian cancer syndrome. Last evaluated: 2023-01-16. Review status: criteria provided, single submitter. Criteria: ACMG Guidelines, 2015. Collection method: clinical testing. Allele origin: germline. Affected: yes.

Women's Health and Genetics/Laboratory Corporation of America, LabCorp
Classification: Likely benign. Last evaluated: 2021-01-29. Review status: criteria provided, single submitter. Criteria: LabCorp Variant Classification Summary - May 2015. Collection method: clinical testing. Allele origin: germline.

Sema4
Classification: Likely benign for Hereditary cancer-predisposing syndrome. Last evaluated: 2020-11-10. Review status: criteria provided, single submitter. Criteria: Sema4 Curation Guidelines. Collection method: curation. Allele origin: germline.

Color Diagnostics, LLC DBA Color Health
Classification: Likely benign for Hereditary cancer-predisposing syndrome. Last evaluated: 2015-09-03. Review status: criteria provided, single submitter. Criteria: ACMG Guidelines, 2015. Collection method: clinical testing. Allele origin: germline.

Ambry Genetics
Classification: Likely benign for Hereditary cancer-predisposing syndrome. Last evaluated: 2015-05-20. Review status: criteria provided, single submitter. Criteria: Ambry Variant Classification Scheme 2023. Collection method: clinical testing. Allele origin: germline.

GeneDx
Classification: Benign. Last evaluated: 2014-06-19. Review status: criteria provided, single submitter. Criteria: GeneDx Variant Classification (06012015). Collection method: clinical testing. Allele origin: germline. Affected: yes.
Comment: This variant is considered likely benign or benign based on one or more of the following criteria: it is a conservative change, it occurs at a poorly conserved position in the protein, it is predicted to be benign by multiple in silico algorithms, and/or has population frequency not consistent with disease.

PreventionGenetics, part of Exact Sciences
Classification: Likely benign for RAD51D-related condition. Last evaluated: 2023-09-04. Review status: no assertion criteria provided. Collection method: clinical testing. Allele origin: germline. Not counted in ClinVar's aggregate classification.
Comment: This variant is classified as likely benign based on ACMG/AMP sequence variant interpretation guidelines (Richards et al. 2015 PMID: 25741868, with internal and published modifications).

Literature cited by the submitters: PubMed 23372765 (cited by 3 submitters); PubMed 30093976 (cited by 3 submitters).